The following is an entry in ClinVar:

ClinVar aggregate classification (germline): Uncertain significance (1 of 4 stars; one submission).

Allele frequency attached by ClinVar (database versions not stated): TOPMed below 0.00001; ExAC 0.00001; gnomAD 0.00001; gnomAD exomes 0.00001.

Submission:

Labcorp Genetics (formerly Invitae), Labcorp
Classification: Uncertain significance. Last evaluated: 2022-06-04. Review status: criteria provided, single submitter. Criteria: Invitae Variant Classification Sherloc (09022015). Collection method: clinical testing. Allele origin: germline.
Comment: In summary, the available evidence is currently insufficient to determine the role of this variant in disease. Therefore, it has been classified as a Variant of Uncertain Significance. Algorithms developed to predict the effect of missense changes on protein structure and function are either unavailable or do not agree on the potential impact of this missense change (SIFT: "Deleterious"; PolyPhen-2: "Benign"; Align-GVGD: "Class C0"). This variant has not been reported in the literature in individuals affected with SPEG-related conditions. This variant is present in population databases (rs770417181, gnomAD 0.007%). This sequence change replaces alanine, which is neutral and non-polar, with threonine, which is neutral and polar, at codon 3114 of the SPEG protein (p.Ala3114Thr).

NM_005876.5(SPEG):c.9340G>A (p.Ala3114Thr)

Genes: ASIC4-AS1 (ASIC4 antisense RNA 1; minus strand), SPEG (striated muscle enriched protein kinase; plus strand). Cytogenetic location: 2q35.
Variant type: single nucleotide variant.
Coding change: c.9340G>A on transcript NM_005876.5 (MANE Select); coding-DNA position 9340, G replaced by A.
Protein change: p.Ala3114Thr; replaces alanine 3114 with threonine.
Molecular consequence: missense variant.
Genome position (GRCh38, 1-based): chr2:219,490,911, G>A. VCF-style: chr2-219490911-G-A. GRCh37 (hg19) VCF-style: chr2-220355633-G-A.
Other names: short protein forms A3114T.
Identifiers: ClinVar variation 1938149 (VCV001938149.5), dbSNP rs770417181, ClinGen allele CA2127722.